The following is an entry in ClinVar:

NM_020923.3(ZDBF2):c.3922A>C (p.Asn1308His)

Gene: ZDBF2 (zinc finger DBF-type containing 2; plus strand). Cytogenetic location: 2q33.3.
Variant type: single nucleotide variant.
Coding change: c.3922A>C on transcript NM_020923.3 (MANE Select); coding-DNA position 3922, A replaced by C.
Protein change: p.Asn1308His; replaces asparagine 1308 with histidine.
Molecular consequence: missense variant.
Genome position (GRCh38, 1-based): chr2:206,308,450, A>C. VCF-style: chr2-206308450-A-C. GRCh37 (hg19) VCF-style: chr2-207173174-A-C.
Other names: c.3916A>C, p.Asn1306His (NM_001285549.2); c.3922A>C, p.Asn1308His (NM_001369654.1); short protein forms N1306H, N1308H.
Identifiers: ClinVar variation 3654497 (VCV003654497.2).
Genomic context (GRCh38, chr2:206,308,450, plus strand): 5'-GATTCTCATGAACCCCTTCAGTCCGTAACTAATAAAATTCCAGGGGCGAATAAAGAAATA[A>C]ATCTTTTGAGGGAGGAACATGTTTGTCTGGATGATAAGGGCTATGTGCCCAGTGATTCTG-3'
Protein context (NP_065974.1, residues 1298-1318): NKIPGANKEI[Asn1308His]LLREEHVCLD

ClinVar aggregate classification (germline): Uncertain significance (1 of 4 stars; one submission).

Submission:

Labcorp Genetics (formerly Invitae), Labcorp
Classification: Uncertain significance. Last evaluated: 2024-05-23. Review status: criteria provided, single submitter. Criteria: Invitae Variant Classification Sherloc (09022015). Collection method: clinical testing. Allele origin: germline.
Comment: This sequence change replaces asparagine, which is neutral and polar, with histidine, which is basic and polar, at codon 1308 of the ZDBF2 protein (p.Asn1308His). This variant is not present in population databases (gnomAD no frequency). This variant has not been reported in the literature in individuals affected with ZDBF2-related conditions. Algorithms developed to predict the effect of missense changes on protein structure and function output the following: SIFT: "Not Available"; PolyPhen-2: "Possibly Damaging"; Align-GVGD: "Not Available". The histidine amino acid residue is found in multiple mammalian species, which suggests that this missense change does not adversely affect protein function. In summary, the available evidence is currently insufficient to determine the role of this variant in disease. Therefore, it has been classified as a Variant of Uncertain Significance.